The following is an entry in ClinVar:

NM_018975.4(TERF2IP):c.349G>A (p.Ala117Thr)

Gene: TERF2IP (TERF2 interacting protein; plus strand). Cytogenetic location: 16q23.1.
Variant type: single nucleotide variant.
Coding change: c.349G>A on transcript NM_018975.4 (MANE Select); coding-DNA position 349, G replaced by A.
Protein change: p.Ala117Thr; replaces alanine 117 with threonine.
Molecular consequence: missense variant. On other transcripts: non-coding transcript variant (1).
Genome position (GRCh38, 1-based): chr16:75,648,231, G>A. VCF-style: chr16-75648231-G-A. GRCh37 (hg19) VCF-style: chr16-75682129-G-A.
Other names: short protein forms A117T.
Identifiers: ClinVar variation 1732028 (VCV001732028.3), dbSNP rs2082317677, ClinGen allele CA396817717.
Genomic context (GRCh38, chr16:75,648,231, plus strand): 5'-GAGGCCTATCGGCTGGGCCCCGCCTCGGCGGCGGACACCGGCTCGGAAGCAAAGCCCGGG[G>A]CCCTGGCCGAGGGCGCCGCGGAGCCGGAGCCGCAGCGGCACGCCGGGCGGATCGCCTTCA-3'
Protein context (NP_061848.2, residues 107-127): ADTGSEAKPG[Ala117Thr]LAEGAAEPEP

ClinVar aggregate classification (germline): Uncertain significance (1 of 4 stars; one submission).

gnomAD v4.1: 8 of 1,545,198 alleles (0.00052%); highest among the groups gnomAD compares: Non-Finnish European, 0.0007%; no homozygotes.

Submission:

Ambry Genetics
Classification: Uncertain significance. Last evaluated: 2024-06-29. Review status: criteria provided, single submitter. Criteria: Ambry Variant Classification Scheme 2023. Collection method: clinical testing. Allele origin: germline.
Comment: The p.A117T variant (also known as c.349G>A), located in coding exon 1 of the TERF2IP gene, results from a G to A substitution at nucleotide position 349. The alanine at codon 117 is replaced by threonine, an amino acid with similar properties. This amino acid position is conserved. In addition, this alteration is predicted to be tolerated by in silico analysis. Since supporting evidence is limited at this time, the clinical significance of this alteration remains unclear.